The following is an entry in ClinVar:

ClinVar aggregate classification (germline): Uncertain significance (1 of 4 stars; one submission).

Allele frequency attached by ClinVar (database versions not stated): gnomAD exomes 0.00001 and 0.00002; TOPMed 0.00001.
gnomAD v4.1: 3 of 1,494,914 alleles (0.0002%); highest among the groups gnomAD compares: Admixed American, 0.0024%; no homozygotes.

Submission:

Labcorp Genetics (formerly Invitae), Labcorp
Classification: Uncertain significance. Last evaluated: 2021-09-21. Review status: criteria provided, single submitter. Criteria: Invitae Variant Classification Sherloc (09022015). Collection method: clinical testing. Allele origin: germline.
Comment: This sequence change replaces proline with leucine at codon 8 of the PLOD3 protein (p.Pro8Leu). The proline residue is weakly conserved and there is a moderate physicochemical difference between proline and leucine. The frequency data for this variant in the population databases is considered unreliable, as metrics indicate insufficient coverage at this position in the ExAC database. This variant has not been reported in the literature in individuals affected with PLOD3-related conditions. Algorithms developed to predict the effect of missense changes on protein structure and function output the following: SIFT: "Tolerated"; PolyPhen-2: "Not Available"; Align-GVGD: "Class C0". The leucine amino acid residue is found in multiple mammalian species, which suggests that this missense change does not adversely affect protein function. In summary, the available evidence is currently insufficient to determine the role of this variant in disease. Therefore, it has been classified as a Variant of Uncertain Significance.

NM_001084.5(PLOD3):c.23C>T (p.Pro8Leu)

Gene: PLOD3 (procollagen-lysine,2-oxoglutarate 5-dioxygenase 3; minus strand). Cytogenetic location: 7q22.1.
Variant type: single nucleotide variant.
Coding change: c.23C>T on transcript NM_001084.5 (MANE Select); coding-DNA position 23, C replaced by T.
Protein change: p.Pro8Leu; replaces proline 8 with leucine.
Molecular consequence: missense variant.
Genome position (GRCh38, 1-based): chr7:101,217,252, G>A on the plus strand (C>T on the coding strand, the complement: PLOD3 is on the minus strand). VCF-style: chr7-101217252-G-A. GRCh37 (hg19) VCF-style: chr7-100860533-G-A.
Other names: short protein forms P8L.
Identifiers: ClinVar variation 1376415 (VCV001376415.5), dbSNP rs1372942703, ClinGen allele CA368628187.